The following is an entry in ClinVar:

ClinVar aggregate classification (germline): Likely pathogenic (1 of 4 stars; one submission).

Conditions:
GNAS-related disorder. Identifiers: MedGen CN380105.

Submission:

Women's Health and Genetics/Laboratory Corporation of America, LabCorp
Classification: Likely pathogenic for GNAS-Related Disorders. Last evaluated: 2024-01-12. Review status: criteria provided, single submitter. Criteria: LabCorp Variant Classification Summary - May 2015. Collection method: clinical testing. Allele origin: germline.
Comment: Variant summary: GNAS c.1100_1132delinsATGTC (p.Val367AspfsX28) causes a frameshift which disrupts the last 28 amino acids of the encoded protein sequence and results in an extension of the protein. Variants within this disrupted region have been reported in association with GNAS-related disorders in the HGMD database and/or have been classified as pathogenic in ClinVar. This suggests the disrupted region is critical to protein function. The variant was absent in 251464 control chromosomes (gnomAD). To our knowledge, no occurrence of c.1100_1132delinsATGTC in individuals affected with GNAS-Related Disorders and no experimental evidence demonstrating its impact on protein function have been reported. No submitters have cited clinical-significance assessments for this variant to ClinVar. Based on the evidence outlined above, the variant was classified as likely pathogenic.

NM_000516.7(GNAS):c.1100_1132delinsATGTC (p.Val367fs)

Gene: GNAS (GNAS complex locus; plus strand). Cytogenetic location: 20q13.32.
Variant type: Indel.
Coding change: c.1100_1132delinsATGTC on transcript NM_000516.7 (MANE Select); coding-DNA positions 1100 to 1132, the reference bases replaced by ATGTC.
Protein change: p.Val367fs; shifts the reading frame from valine 367.
Molecular consequence: frameshift variant. On other transcripts: 3 prime UTR variant (2).
Genome position (GRCh38, 1-based): chr20:58,910,744-58,910,776, 33 bases replaced. GRCh37 (hg19): chr20:57,485,799-57,485,831.
Other names: c.1103_1135delinsATGTC, p.Val368fs (NM_001077488.5); c.1055_1087delinsATGTC, p.Val352fs (NM_001077489.4); c.*961_*993delinsATGTC (NM_001077490.3); c.923_955delinsATGTC, p.Val308fs (NM_001309840.2, NM_001309861.2); c.1004_1036delinsATGTC, p.Val335fs (NM_001410912.1); c.2984_3016delinsATGTC, p.Val995fs (NM_001410913.1); c.*1006_*1038delinsATGTC (NM_016592.5); c.3029_3061delinsATGTC, p.Val1010fs (NM_080425.4); and 1 more; short protein forms V1010fs, V308fs, V335fs, V352fs, V353fs, V367fs, V368fs, V995fs.
Identifiers: ClinVar variation 3063879 (VCV003063879.1), dbSNP rs2517295940, ClinGen allele CA2740094607.